The following is an entry in ClinVar:

ClinVar aggregate classification (germline): Pathogenic. Review status: criteria provided, multiple submitters, no conflicts (2 of 4 stars). 3 submissions from 3 submitters: Pathogenic (3). Last evaluated 2024-03-04.

Conditions:
Immunodeficiency-centromeric instability-facial anomalies syndrome 2 (ICF2). Identifiers: Orphanet 2268, MedGen C3279748, MONDO:0013553, OMIM 614069.

Submissions (3):

Fulgent Genetics
Classification: Pathogenic for Immunodeficiency-centromeric instability-facial anomalies syndrome 2. Last evaluated: 2024-03-04. Review status: criteria provided, single submitter. Criteria: ACMG Guidelines, 2015. Collection method: clinical testing. Allele origin: germline.

Labcorp Genetics (formerly Invitae), Labcorp
Classification: Pathogenic for Immunodeficiency-centromeric instability-facial anomalies syndrome 2. Last evaluated: 2023-04-17. Review status: criteria provided, single submitter. Criteria: Invitae Variant Classification Sherloc (09022015). Collection method: clinical testing. Allele origin: germline.
Comment: This sequence change creates a premature translational stop signal (p.Val168Serfs*28) in the ZBTB24 gene. It is expected to result in an absent or disrupted protein product. Loss-of-function variants in ZBTB24 are known to be pathogenic (PMID: 21596365). This variant is present in population databases (rs780371205, gnomAD 0.009%). This premature translational stop signal has been observed in individual(s) with immunodeficiency, centromeric instability, and facial anomalies syndrome (PMID: 21596365). ClinVar contains an entry for this variant (Variation ID: 1526123). For these reasons, this variant has been classified as Pathogenic.

3billion
Classification: Pathogenic for Immunodeficiency-centromeric instability-facial anomalies syndrome 2. Last evaluated: 2022-03-22. Review status: criteria provided, single submitter. Criteria: ACMG Guidelines, 2015. Collection method: clinical testing. Allele origin: germline. Affected: yes. Observed: 1 homozygote.
Comment: Frameshift: predicted to result in a loss or disruption of normal protein function through nonsense-mediated decay (NMD) or protein truncation. Multiple pathogenic variants are reported downstream of the variant. This variant has been reported to be associated with ZBTB24 related disorder (PMID:21596365). The variant is observed at an extremely low frequency in the gnomAD v2.1.1 dataset (total allele frequency:0.0000119). Therefore, this variant is classified as pathogenic according to the recommendation of ACMG/AMP guideline.

Literature cited by the submitters: PubMed 21596365 (cited by Labcorp Genetics (formerly Invitae), Labcorp and 3billion).

NM_014797.3(ZBTB24):c.501dup (p.Val168fs)

Gene: ZBTB24 (zinc finger and BTB domain containing 24; minus strand). Cytogenetic location: 6q21.
Variant type: Duplication.
Coding change: c.501dup on transcript NM_014797.3 (MANE Select); coding-DNA position 501, one base duplicated (A; older notation c.501dupA).
Protein change: p.Val168fs; shifts the reading frame from valine 168.
Molecular consequence: frameshift variant.
Genome position (GRCh38, 1-based): chr6:109,481,526, T duplicated on the plus strand (A on the coding strand, the reverse complement: ZBTB24 is on the minus strand); the first of 7 consecutive T bases (chr6:109,481,526-109,481,532); duplicating any one gives the same sequence. VCF-style (leftmost placement, unchanged base first): chr6-109481525-C-CT. GRCh37 (hg19) VCF-style: chr6-109802728-C-CT.
Other names: c.501dup, p.Val168fs (NM_001164313.2); short protein forms V168fs.
Identifiers: ClinVar variation 1526123 (VCV001526123.5), dbSNP rs780371205, ClinGen allele CA3954330.
Genomic context (GRCh38, chr6:109,481,525, plus strand): 5'-CTCTTAACTGTATTTCTTCCTCTGCAGCCAGTTCTGATTTCTCCTCCTGCAATGTATTGA[C>CT]TTTTTTTGGTCTTCCCCGTTTCCGCTTTGGAGGATCGTTTTTCTTATTAGAGATAACAAC-3'